The following is an entry in ClinVar:

ClinVar aggregate classification (germline): Uncertain significance. Review status: criteria provided, multiple submitters, no conflicts (2 of 4 stars). 2 submissions from 2 submitters: Uncertain significance (2). Last evaluated 2024-02-20.

Conditions:
Autosomal dominant nocturnal frontal lobe epilepsy 5. Also called: Epilepsy, nocturnal frontal lobe, 5; KCNT1-Related Epilepsy; CILIARY DYSKINESIA, PRIMARY, 28, WITHOUT SITUS INVERSUS; CILIARY DYSKINESIA, PRIMARY, 28, WITH SITUS INVERSUS. Identifiers: Orphanet 98784, MedGen C3554306, MONDO:0014002, OMIM 615005.
Developmental and epileptic encephalopathy, 14 (DEE14). Also called: Early infantile epileptic encephalopathy 14. Identifiers: Orphanet 293181, MedGen C3554195, MONDO:0013989, OMIM 614959.

Allele frequency attached by ClinVar (database versions not stated): gnomAD 0.00001; TOPMed 0.00001.

Submissions (2):

Labcorp Genetics (formerly Invitae), Labcorp
Classification: Uncertain significance for Autosomal dominant nocturnal frontal lobe epilepsy 5; Developmental and epileptic encephalopathy, 14. Last evaluated: 2024-02-20. Review status: criteria provided, single submitter. Criteria: Invitae Variant Classification Sherloc (09022015). Collection method: clinical testing. Allele origin: germline.
Comment: This sequence change replaces glutamine, which is neutral and polar, with lysine, which is basic and polar, at codon 731 of the KCNT1 protein (p.Gln731Lys). This variant is not present in population databases (gnomAD no frequency). This variant has not been reported in the literature in individuals affected with KCNT1-related conditions. ClinVar contains an entry for this variant (Variation ID: 540583). Advanced modeling of protein sequence and biophysical properties (such as structural, functional, and spatial information, amino acid conservation, physicochemical variation, residue mobility, and thermodynamic stability) performed at Invitae indicates that this missense variant is not expected to disrupt KCNT1 protein function with a negative predictive value of 80%. In summary, the available evidence is currently insufficient to determine the role of this variant in disease. Therefore, it has been classified as a Variant of Uncertain Significance.

GeneDx
Classification: Uncertain significance. Last evaluated: 2022-08-26. Review status: criteria provided, single submitter. Criteria: GeneDx Variant Classification Process June 2021. Collection method: clinical testing. Allele origin: germline. Affected: yes.
Comment: Not observed at significant frequency in large population cohorts (gnomAD); In silico analysis supports that this missense variant does not alter protein structure/function; Has not been previously published as pathogenic or benign to our knowledge

NM_020822.3(KCNT1):c.2191C>A (p.Gln731Lys)

Gene: KCNT1 (potassium sodium-activated channel subfamily T member 1; plus strand). Cytogenetic location: 9q34.3.
Variant type: single nucleotide variant.
Coding change: c.2191C>A on transcript NM_020822.3 (MANE Select); coding-DNA position 2191, C replaced by A.
Protein change: p.Gln731Lys; replaces glutamine 731 with lysine.
Molecular consequence: missense variant.
Genome position (GRCh38, 1-based): chr9:135,772,897, C>A. VCF-style: chr9-135772897-C-A. GRCh37 (hg19) VCF-style: chr9-138664743-C-A.
Other names: c.2056C>A, p.Gln686Lys (NM_001272003.2); short protein forms Q731K, Q686K.
Identifiers: ClinVar variation 540583 (VCV000540583.9), dbSNP rs1437258889, ClinGen allele CA375511050.